The following is an entry in ClinVar:

NM_000459.5(TEK):c.1346A>G (p.Asn449Ser)

Gene: TEK (TEK receptor tyrosine kinase; plus strand). Cytogenetic location: 9p21.2.
Variant type: single nucleotide variant.
Coding change: c.1346A>G on transcript NM_000459.5 (MANE Select); coding-DNA position 1346, A replaced by G.
Protein change: p.Asn449Ser; replaces asparagine 449 with serine.
Molecular consequence: missense variant.
Genome position (GRCh38, 1-based): chr9:27,190,547, A>G. VCF-style: chr9-27190547-A-G. GRCh37 (hg19) VCF-style: chr9-27190545-A-G.
Other names: p.Asn449Ser; c.1217A>G, p.Asn406Ser (NM_001290077.2, NM_001375476.1); c.905A>G, p.Asn302Ser (NM_001290078.2); c.1346A>G, p.Asn449Ser (NM_001375475.1); short protein forms N449S, N302S, N406S.
Identifiers: ClinVar variation 716945 (VCV000716945.27), dbSNP rs149684174, ClinGen allele CA5016220.

ClinVar aggregate classification (germline): Benign/Likely benign. Review status: criteria provided, multiple submitters, no conflicts (2 of 4 stars). 7 submissions from 7 submitters: Benign (2); Likely benign (4). 1 of the submissions does not count toward it. Last evaluated 2025-06-11.

Conditions:
TEK-related disorder. Also called: TEK-related condition.
Multiple cutaneous and mucosal venous malformations (VMCM). Also called: TEK-Related Multiple Cutaneous and Mucosal Venous Malformations (VMCM). Identifiers: Orphanet 2451, MedGen C1838437, MONDO:0010842, OMIM 600195.

Allele frequency attached by ClinVar (database versions not stated): gnomAD exomes 0.00031 and 0.00102; ExAC 0.00121; ESP Exome Variant Server 0.00315; gnomAD 0.00333 and 0.00351; TOPMed 0.00373; 1000 Genomes Project 30x 0.00547; 1000 Genomes Project 0.00559.
gnomAD v4.1: 1,009 of 1,614,016 alleles (0.063%); highest among the groups gnomAD compares: African/African-American, 1.1%; 5 homozygotes.

Submissions (7):

Labcorp Genetics (formerly Invitae), Labcorp
Classification: Benign. Last evaluated: 2025-06-11. Review status: criteria provided, single submitter. Criteria: Invitae Variant Classification Sherloc (09022015). Collection method: clinical testing. Allele origin: germline.

Mayo Clinic Laboratories, Mayo Clinic
Classification: Likely benign. Last evaluated: 2025-04-30. Review status: criteria provided, single submitter. Criteria: ACMG Guidelines, 2015. Collection method: clinical testing. Allele origin: germline. Observed: 5 variant alleles.
Comment: BS1, BP4_moderate

Blueprint Genetics
Classification: Likely benign. Last evaluated: 2024-10-18. Review status: criteria provided, single submitter. Criteria: ACMG Guidelines, 2015. Collection method: clinical testing. Allele origin: germline.

ARUP Laboratories, Molecular Genetics and Genomics, ARUP Laboratories
Classification: Likely benign. Last evaluated: 2023-11-22. Review status: criteria provided, single submitter. Criteria: ARUP Molecular Germline Variant Investigation Process 2024. Collection method: clinical testing. Allele origin: germline.

Illumina Laboratory Services, Illumina
Classification: Benign for Multiple cutaneous and mucosal venous malformations. Last evaluated: 2018-01-13. Review status: criteria provided, single submitter. Criteria: ICSL Variant Classification Criteria 13 December 2019. Collection method: clinical testing. Allele origin: germline.
Comment: This variant was observed in the ICSL laboratory as part of a predisposition screen in an ostensibly healthy population. It had not been previously curated by ICSL or reported in the Human Gene Mutation Database (HGMD: prior to June 1st, 2018), and was therefore a candidate for classification through an automated scoring system. Utilizing variant allele frequency, disease prevalence and penetrance estimates, and inheritance mode, an automated score was calculated to assess if this variant is too frequent to cause the disease. Based on the score and internal cut-off values, a variant classified as benign is not then subjected to further curation. The score for this variant resulted in a classification of benign for this disease.

Breakthrough Genomics
Classification: Likely benign. Review status: criteria provided, single submitter. Criteria: ACMG Guidelines, 2015. Collection method: not provided. Allele origin: germline. Inheritance: Autosomal dominant inheritance. Affected: yes.

PreventionGenetics, part of Exact Sciences
Classification: Benign for TEK-related condition. Last evaluated: 2020-02-19. Review status: no assertion criteria provided. Collection method: clinical testing. Allele origin: germline. Not counted in ClinVar's aggregate classification.
Comment: This variant is classified as benign based on ACMG/AMP sequence variant interpretation guidelines (Richards et al. 2015 PMID: 25741868, with internal and published modifications).